The following is an entry in ClinVar:

NM_001267550.2(TTN):c.38751del (p.Leu12918fs)

Gene: TTN (titin; minus strand). Cytogenetic location: 2q31.2.
Variant type: Deletion.
Coding change: c.38751del on transcript NM_001267550.2 (MANE Select); coding-DNA position 38751, one base deleted (C; older notation c.38751delC).
Protein change: p.Leu12918fs; shifts the reading frame from leucine 12918.
Molecular consequence: frameshift variant. On other transcripts: intron variant (5).
Genome position (GRCh38, 1-based): chr2:178,653,278, G deleted on the plus strand (C on the coding strand, the reverse complement: TTN is on the minus strand); the first of 3 consecutive G bases (chr2:178,653,278-178,653,280); deleting any one gives the same sequence. VCF-style (leftmost placement, unchanged base first): chr2-178653277-AG-A. GRCh37 (hg19) VCF-style: chr2-179518004-AG-A.
Other names: c.38749delC, p.Leu12918Trpfs (NM_001267550.1); c.13283-10961del (NM_003319.4); c.13859-10961del (NM_133437.4); c.13658-10961del (NM_133432.3); c.31742-737del (NM_133378.4); c.34523-737del (NM_001256850.1); short protein forms L12918fs.
Identifiers: ClinVar variation 3602996 (VCV003602996.1).

ClinVar aggregate classification (germline): Pathogenic (1 of 4 stars; one submission).

Submission:

GeneDx
Classification: Pathogenic. Last evaluated: 2024-08-09. Review status: criteria provided, single submitter. Criteria: GeneDx Variant Classification Process June 2021. Collection method: clinical testing. Allele origin: germline. Affected: yes.
Comment: Frameshift variant predicted to result in protein truncation or nonsense mediated decay in a gene for which loss of function is a known mechanism of disease; Not observed at significant frequency in large population cohorts (gnomAD); Has not been previously published as pathogenic or benign to our knowledge; This variant is associated with the following publications: (PMID: 28040389, 29575618, 31660661, 32778822)